The following is an entry in ClinVar:

ClinVar aggregate classification (germline): Conflicting classifications of pathogenicity. Review status: criteria provided, conflicting classifications (1 of 4 stars). 3 submissions from 3 submitters: Uncertain significance (2); Likely benign (1). Last evaluated 2025-07-14.

Conditions:
Dyskeratosis congenita, autosomal dominant 6 (DKCA6). Identifiers: Orphanet 3322, MedGen C4225284, MONDO:0014690, OMIM 616553.
Inborn genetic diseases. Identifiers: MedGen C0950123, MeSH D030342.

Allele frequency attached by ClinVar (database versions not stated): ExAC 0.00001; gnomAD 0.00001; gnomAD exomes 0.00001; TOPMed 0.00002.

Submissions (3):

Labcorp Genetics (formerly Invitae), Labcorp
Classification: Uncertain significance for Dyskeratosis congenita, autosomal dominant 6. Last evaluated: 2025-07-14. Review status: criteria provided, single submitter. Criteria: Invitae Variant Classification Sherloc (09022015). Collection method: clinical testing. Allele origin: germline.
Comment: This sequence change replaces arginine, which is basic and polar, with tryptophan, which is neutral and slightly polar, at codon 469 of the ACD protein (p.Arg469Trp). The frequency data for this variant in the population databases is considered unreliable, as metrics indicate poor data quality at this position in the gnomAD database. This variant has not been reported in the literature in individuals affected with ACD-related conditions. ClinVar contains an entry for this variant (Variation ID: 1057054). Invitae Evidence Modeling of protein sequence and biophysical properties (such as structural, functional, and spatial information, amino acid conservation, physicochemical variation, residue mobility, and thermodynamic stability) indicates that this missense variant is not expected to disrupt ACD protein function with a negative predictive value of 80%. In summary, the available evidence is currently insufficient to determine the role of this variant in disease. Therefore, it has been classified as a Variant of Uncertain Significance.

Ambry Genetics
Classification: Likely benign for Inborn genetic diseases. Last evaluated: 2021-09-05. Review status: criteria provided, single submitter. Criteria: Ambry Variant Classification Scheme 2023. Collection method: clinical testing. Allele origin: germline.

Breakthrough Genomics
Classification: Uncertain significance. Review status: criteria provided, single submitter. Criteria: ACMG Guidelines, 2015. Collection method: not provided. Allele origin: germline. Inheritance: Autosomal recessive inheritance. Affected: yes.

NM_001082486.2(ACD):c.1147C>T (p.Arg383Trp)

Gene: ACD (ACD shelterin complex subunit and telomerase recruitment factor; minus strand). Cytogenetic location: 16q22.1.
Variant type: single nucleotide variant.
Coding change: c.1147C>T on transcript NM_001082486.2 (MANE Select); coding-DNA position 1147, C replaced by T.
Protein change: p.Arg383Trp; replaces arginine 383 with tryptophan.
Molecular consequence: missense variant.
Genome position (GRCh38, 1-based): chr16:67,658,045, G>A on the plus strand (C>T on the coding strand, the complement: ACD is on the minus strand). VCF-style: chr16-67658045-G-A. GRCh37 (hg19) VCF-style: chr16-67691948-G-A.
Other names: c.1138C>T, p.Arg380Trp (NM_022914.3); short protein forms R380W, R383W.
Identifiers: ClinVar variation 1057054 (VCV001057054.12), dbSNP rs747913250, ClinGen allele CA8114435.